The following is an entry in ClinVar:

NM_001283009.2(RTEL1):c.1204G>T (p.Val402Leu)

Genes: RTEL1 (regulator of telomere elongation helicase 1; plus strand), RTEL1-TNFRSF6B (RTEL1-TNFRSF6B readthrough (NMD candidate); plus strand). Cytogenetic location: 20q13.33.
Variant type: single nucleotide variant.
Coding change: c.1204G>T on transcript NM_001283009.2 (MANE Select); coding-DNA position 1204, G replaced by T.
Protein change: p.Val402Leu; replaces valine 402 with leucine.
Molecular consequence: missense variant. On other transcripts: non-coding transcript variant (1).
Genome position (GRCh38, 1-based): chr20:63,685,535, G>T. VCF-style: chr20-63685535-G-T. GRCh37 (hg19) VCF-style: chr20-62316888-G-T.
Other names: c.535G>T, p.Val179Leu (NM_001283010.1); c.1204G>T, p.Val402Leu (NM_016434.4); c.1276G>T, p.Val426Leu (NM_032957.5); short protein forms V179L, V402L, V426L.
Identifiers: ClinVar variation 3791174 (VCV003791174.1).

ClinVar aggregate classification (germline): Uncertain significance (1 of 4 stars; one submission).

Conditions:
Inborn genetic diseases. Identifiers: MedGen C0950123, MeSH D030342.

gnomAD v4.1: 1 of 1,612,606 alleles (0.000062%); highest among the groups gnomAD compares: Non-Finnish European, 0.000085%; no homozygotes.

Submission:

Ambry Genetics
Classification: Uncertain significance for Inborn genetic diseases. Last evaluated: 2025-02-22. Review status: criteria provided, single submitter. Criteria: Ambry Variant Classification Scheme 2023. Collection method: clinical testing. Allele origin: germline.
Comment: The p.V402L variant (also known as c.1204G>T), located in coding exon 14 of the RTEL1 gene, results from a G to T substitution at nucleotide position 1204. The valine at codon 402 is replaced by leucine, an amino acid with highly similar properties. This amino acid position is conserved. In addition, this alteration is predicted to be tolerated by in silico analysis. Based on the available evidence, the clinical significance of this variant remains unclear.